The following is an entry in ClinVar:

NM_000540.3(RYR1):c.6128-1G>A

Gene: RYR1 (ryanodine receptor 1; plus strand). Cytogenetic location: 19q13.2.
Variant type: single nucleotide variant.
Coding change: c.6128-1G>A on transcript NM_000540.3 (MANE Select); the canonical splice acceptor site of the intron before coding-DNA position 6128, G replaced by A.
Molecular consequence: splice acceptor variant.
Genome position (GRCh38, 1-based): chr19:38,492,489, G>A. VCF-style: chr19-38492489-G-A. GRCh37 (hg19) VCF-style: chr19-38983129-G-A.
Other names: c.6128-1G>A (NM_001042723.2).
Identifiers: ClinVar variation 3074289 (VCV003074289.2), dbSNP rs2514264521, ClinGen allele CA405661717.

ClinVar aggregate classification (germline): Conflicting classifications of pathogenicity. Review status: criteria provided, conflicting classifications (1 of 4 stars). 2 submissions from 2 submitters: Likely pathogenic (1); Uncertain significance (1). Last evaluated 2025-12-18.

Conditions:
Malignant hyperthermia, susceptibility to, 1 (MHS1). Also called: Anesthesia related hyperthermia; Malignant hyperpyrexia; Fulminating hyperpyrexia; Pharmacogenic myopathy; RYR1-Related Malignant Hyperthermia Susceptibility; Malignant hyperthermia suceptibility 1. Identifiers: Orphanet 423, MedGen C2930980, MONDO:0007783, OMIM 145600.
RYR1-related disorder. Also called: RYR1-related condition; RYR1-related disorders. Identifiers: MedGen CN239331.

Submissions (2):

Labcorp Genetics (formerly Invitae), Labcorp
Classification: Likely pathogenic for RYR1-related disorder. Last evaluated: 2025-12-18. Review status: criteria provided, single submitter. Criteria: Invitae Variant Classification Sherloc (09022015). Collection method: clinical testing. Allele origin: germline.
Comment: This sequence change affects an acceptor splice site in intron 37 of the RYR1 gene. It is expected to disrupt RNA splicing. Variants that disrupt the donor or acceptor splice site typically lead to a loss of protein function (PMID: 16199547), and loss-of-function variants in RYR1 are known to be pathogenic (PMID: 23919265, 25960145, 28818389, 30611313). This variant is not present in population databases (gnomAD no frequency). This variant has not been reported in the literature in individuals affected with RYR1-related conditions. ClinVar contains an entry for this variant (Variation ID: 3074289). Algorithms developed to predict the effect of sequence changes on RNA splicing suggest that this variant may disrupt the consensus splice site. In summary, the currently available evidence indicates that the variant is pathogenic, but additional data are needed to prove that conclusively. Therefore, this variant has been classified as Likely Pathogenic.

All of Us Research Program, National Institutes of Health
Classification: Uncertain significance for Malignant hyperthermia, susceptibility to, 1. Last evaluated: 2023-11-02. Review status: criteria provided, single submitter. Criteria: ACMG Guidelines, 2015. Collection method: clinical testing. Allele origin: germline. Inheritance: Autosomal dominant inheritance. Observed: 2 variant alleles, 2 heterozygotes.
Comment: This variant causes a G to A nucleotide substitution at the -1 position of intron 37 of the RYR1 gene. Splice prediction tools indicate that this variant may disrupt RNA splicing. To our knowledge, functional studies have not been reported for this variant. This variant has not been reported in individuals affected with RYR1-related disorders in the literature. This variant has not been identified in the general population by the Genome Aggregation Database (gnomAD). Loss of RYR1 function due to truncation variants is not an established disease mechanism for autosomal dominant malignant hyperthermia, although it is associated with other phenotype(s). Due to insufficient evidence, this variant is classified as a Variant of Uncertain Significance for autosomal dominant malignant hyperthermia.

This study involves interpretation of variants in research participants for the purpose of population health screening. Participant phenotype was not available at the time of variant classification. Additional details can be found in publication PMID: 35346344, PMCID: PMC8962531

Literature cited by the submitters: PubMed 16199547 (cited by Labcorp Genetics (formerly Invitae), Labcorp); PubMed 23919265 (cited by Labcorp Genetics (formerly Invitae), Labcorp); PubMed 25960145 (cited by Labcorp Genetics (formerly Invitae), Labcorp); PubMed 28818389 (cited by Labcorp Genetics (formerly Invitae), Labcorp); PubMed 30611313 (cited by Labcorp Genetics (formerly Invitae), Labcorp).